The following is an entry in ClinVar:

NM_017491.5(WDR1):c.1569G>A (p.Ser523=)

Gene: WDR1 (WD repeat domain 1; minus strand). Cytogenetic location: 4p16.1.
Variant type: single nucleotide variant.
Coding change: c.1569G>A on transcript NM_017491.5 (MANE Select); coding-DNA position 1569, G replaced by A.
Protein change: p.Ser523=; no amino-acid change (serine 523 retained).
Molecular consequence: synonymous variant.
Genome position (GRCh38, 1-based): chr4:10,077,753, C>T on the plus strand (G>A on the coding strand, the complement: WDR1 is on the minus strand). VCF-style: chr4-10077753-C-T. GRCh37 (hg19) VCF-style: chr4-10079377-C-T.
Other names: c.1149G>A, p.Ser383= (NM_005112.5).
Identifiers: ClinVar variation 1168073 (VCV001168073.41), dbSNP rs34193855, ClinGen allele CA2857528.

ClinVar aggregate classification (germline): Benign/Likely benign. Review status: criteria provided, multiple submitters, no conflicts (2 of 4 stars). 4 submissions from 4 submitters: Benign (2); Likely benign (2). Last evaluated 2026-02-03.

Allele frequency attached by ClinVar (database versions not stated): 1000 Genomes Project 30x 0.00187; 1000 Genomes Project 0.00200; TOPMed 0.00539; ESP Exome Variant Server 0.00573; gnomAD 0.00602 and 0.00615; gnomAD exomes 0.00604 and 0.00836; ExAC 0.01442.
gnomAD v4.1: 12,777 of 1,578,498 alleles (0.81%); highest among the groups gnomAD compares: Non-Finnish European, 0.94%; 53 homozygotes.

Submissions (42):

Labcorp Genetics (formerly Invitae), Labcorp
Classification: Benign. Last evaluated: 2026-02-03. Review status: criteria provided, single submitter. Criteria: Invitae Variant Classification Sherloc (09022015). Collection method: clinical testing. Allele origin: germline.

CeGaT Center for Human Genetics Tuebingen
Classification: Likely benign. Last evaluated: 2024-12-01. Review status: criteria provided, single submitter. Criteria: CeGaT Center For Human Genetics Tuebingen Variant Classification Criteria Version 2. Collection method: clinical testing. Allele origin: germline. Affected: yes. Observed: 8 variant alleles.
Comment: WDR1: BS2

Blueprint Genetics
Classification: Likely benign. Last evaluated: 2024-11-26. Review status: criteria provided, single submitter. Criteria: ACMG Guidelines, 2015. Collection method: clinical testing. Allele origin: germline.

Breakthrough Genomics
Classification: Benign. Review status: criteria provided, single submitter. Criteria: ACMG Guidelines, 2015. Collection method: not provided. Allele origin: germline. Inheritance: Autosomal recessive inheritance. Affected: yes.

Dr. Peter K. Rogan Lab, Western University
No classification provided (evidence only). Condition: Lung cancer. Review status: no classification provided. Collection method: in vitro. Allele origin: not applicable. Functional consequence: skipped exon, retained intron. Not counted in ClinVar's aggregate classification.

Dr. Peter K. Rogan Lab, Western University
No classification provided (evidence only). Condition: Lung cancer. Review status: no classification provided. Collection method: in vitro. Allele origin: not applicable. Functional consequence: skipped exon, retained intron. Not counted in ClinVar's aggregate classification.

Dr. Peter K. Rogan Lab, Western University
No classification provided (evidence only). Condition: Lung cancer. Review status: no classification provided. Collection method: in vitro. Allele origin: not applicable. Functional consequence: skipped exon, retained intron. Not counted in ClinVar's aggregate classification.

Dr. Peter K. Rogan Lab, Western University
No classification provided (evidence only). Condition: Lung cancer. Review status: no classification provided. Collection method: in vitro. Allele origin: not applicable. Functional consequence: skipped exon, retained intron. Not counted in ClinVar's aggregate classification.

Dr. Peter K. Rogan Lab, Western University
No classification provided (evidence only). Condition: Lung cancer. Review status: no classification provided. Collection method: in vitro. Allele origin: not applicable. Functional consequence: retained intron. Not counted in ClinVar's aggregate classification.

Dr. Peter K. Rogan Lab, Western University
No classification provided (evidence only). Condition: Acute myeloid leukemia. Review status: no classification provided. Collection method: in vitro. Allele origin: not applicable. Functional consequence: skipped exon, retained intron. Not counted in ClinVar's aggregate classification.

Dr. Peter K. Rogan Lab, Western University
No classification provided (evidence only). Condition: Colon adenocarcinoma. Review status: no classification provided. Collection method: in vitro. Allele origin: not applicable. Functional consequence: skipped exon, retained intron. Not counted in ClinVar's aggregate classification.

Dr. Peter K. Rogan Lab, Western University
No classification provided (evidence only). Condition: Colon adenocarcinoma. Review status: no classification provided. Collection method: in vitro. Allele origin: not applicable. Functional consequence: skipped exon, retained intron. Not counted in ClinVar's aggregate classification.

Dr. Peter K. Rogan Lab, Western University
No classification provided (evidence only). Condition: Colon adenocarcinoma. Review status: no classification provided. Collection method: in vitro. Allele origin: not applicable. Functional consequence: skipped exon, retained intron. Not counted in ClinVar's aggregate classification.

Dr. Peter K. Rogan Lab, Western University
No classification provided (evidence only). Condition: Colon adenocarcinoma. Review status: no classification provided. Collection method: in vitro. Allele origin: not applicable. Functional consequence: retained intron. Not counted in ClinVar's aggregate classification.

Dr. Peter K. Rogan Lab, Western University
No classification provided (evidence only). Condition: Colorectal cancer. Review status: no classification provided. Collection method: in vitro. Allele origin: not applicable. Functional consequence: skipped exon, retained intron. Not counted in ClinVar's aggregate classification.

Dr. Peter K. Rogan Lab, Western University
No classification provided (evidence only). Condition: Thyroid cancer, nonmedullary, 1. Review status: no classification provided. Collection method: in vitro. Allele origin: not applicable. Functional consequence: retained intron. Not counted in ClinVar's aggregate classification.

Dr. Peter K. Rogan Lab, Western University
No classification provided (evidence only). Condition: Thyroid cancer, nonmedullary, 1. Review status: no classification provided. Collection method: in vitro. Allele origin: not applicable. Functional consequence: retained intron. Not counted in ClinVar's aggregate classification.

Dr. Peter K. Rogan Lab, Western University
No classification provided (evidence only). Condition: Thyroid cancer, nonmedullary, 1. Review status: no classification provided. Collection method: in vitro. Allele origin: not applicable. Functional consequence: retained intron. Not counted in ClinVar's aggregate classification.

Dr. Peter K. Rogan Lab, Western University
No classification provided (evidence only). Condition: Cervical cancer. Review status: no classification provided. Collection method: in vitro. Allele origin: not applicable. Functional consequence: retained intron. Not counted in ClinVar's aggregate classification.

Dr. Peter K. Rogan Lab, Western University
No classification provided (evidence only). Condition: Cervical cancer. Review status: no classification provided. Collection method: in vitro. Allele origin: not applicable. Functional consequence: retained intron. Not counted in ClinVar's aggregate classification.

Dr. Peter K. Rogan Lab, Western University
No classification provided (evidence only). Condition: Sarcoma. Review status: no classification provided. Collection method: in vitro. Allele origin: not applicable. Functional consequence: retained intron. Not counted in ClinVar's aggregate classification.

Dr. Peter K. Rogan Lab, Western University
No classification provided (evidence only). Condition: Sarcoma. Review status: no classification provided. Collection method: in vitro. Allele origin: not applicable. Functional consequence: retained intron. Not counted in ClinVar's aggregate classification.

Dr. Peter K. Rogan Lab, Western University
No classification provided (evidence only). Condition: Sarcoma. Review status: no classification provided. Collection method: in vitro. Allele origin: not applicable. Functional consequence: retained intron. Not counted in ClinVar's aggregate classification.

Dr. Peter K. Rogan Lab, Western University
No classification provided (evidence only). Condition: Sarcoma. Review status: no classification provided. Collection method: in vitro. Allele origin: not applicable. Functional consequence: retained intron. Not counted in ClinVar's aggregate classification.

Dr. Peter K. Rogan Lab, Western University
No classification provided (evidence only). Condition: Sarcoma. Review status: no classification provided. Collection method: in vitro. Allele origin: not applicable. Functional consequence: skipped exon, retained intron. Not counted in ClinVar's aggregate classification.

Dr. Peter K. Rogan Lab, Western University
No classification provided (evidence only). Condition: Sarcoma. Review status: no classification provided. Collection method: in vitro. Allele origin: not applicable. Functional consequence: retained intron. Not counted in ClinVar's aggregate classification.

Dr. Peter K. Rogan Lab, Western University
No classification provided (evidence only). Condition: Malignant lymphoma, large B-cell, diffuse. Review status: no classification provided. Collection method: in vitro. Allele origin: not applicable. Functional consequence: skipped exon, retained intron. Not counted in ClinVar's aggregate classification.

Dr. Peter K. Rogan Lab, Western University
No classification provided (evidence only). Condition: Hepatocellular carcinoma. Review status: no classification provided. Collection method: in vitro. Allele origin: not applicable. Functional consequence: retained intron. Not counted in ClinVar's aggregate classification.

Dr. Peter K. Rogan Lab, Western University
No classification provided (evidence only). Condition: Hepatocellular carcinoma. Review status: no classification provided. Collection method: in vitro. Allele origin: not applicable. Functional consequence: retained intron. Not counted in ClinVar's aggregate classification.

Dr. Peter K. Rogan Lab, Western University
No classification provided (evidence only). Condition: Hepatocellular carcinoma. Review status: no classification provided. Collection method: in vitro. Allele origin: not applicable. Functional consequence: retained intron. Not counted in ClinVar's aggregate classification.

Dr. Peter K. Rogan Lab, Western University
No classification provided (evidence only). Condition: Nonpapillary renal cell carcinoma. Review status: no classification provided. Collection method: in vitro. Allele origin: not applicable. Functional consequence: retained intron. Not counted in ClinVar's aggregate classification.

Dr. Peter K. Rogan Lab, Western University
No classification provided (evidence only). Condition: Nonpapillary renal cell carcinoma. Review status: no classification provided. Collection method: in vitro. Allele origin: not applicable. Functional consequence: retained intron. Not counted in ClinVar's aggregate classification.

Dr. Peter K. Rogan Lab, Western University
No classification provided (evidence only). Condition: Thymoma. Review status: no classification provided. Collection method: in vitro. Allele origin: not applicable. Functional consequence: skipped exon, retained intron. Not counted in ClinVar's aggregate classification.

Dr. Peter K. Rogan Lab, Western University
No classification provided (evidence only). Condition: Ovarian serous cystadenocarcinoma. Review status: no classification provided. Collection method: in vitro. Allele origin: not applicable. Functional consequence: retained intron. Not counted in ClinVar's aggregate classification.

Dr. Peter K. Rogan Lab, Western University
No classification provided (evidence only). Condition: Ovarian serous cystadenocarcinoma. Review status: no classification provided. Collection method: in vitro. Allele origin: not applicable. Functional consequence: retained intron. Not counted in ClinVar's aggregate classification.

Dr. Peter K. Rogan Lab, Western University
No classification provided (evidence only). Condition: Ovarian serous cystadenocarcinoma. Review status: no classification provided. Collection method: in vitro. Allele origin: not applicable. Functional consequence: retained intron. Not counted in ClinVar's aggregate classification.

Dr. Peter K. Rogan Lab, Western University
No classification provided (evidence only). Condition: Uterine carcinosarcoma. Review status: no classification provided. Collection method: in vitro. Allele origin: not applicable. Functional consequence: skipped exon, retained intron. Not counted in ClinVar's aggregate classification.

Dr. Peter K. Rogan Lab, Western University
No classification provided (evidence only). Condition: Chronic lymphocytic leukemia/small lymphocytic lymphoma. Review status: no classification provided. Collection method: in vitro. Allele origin: not applicable. Functional consequence: retained intron. Not counted in ClinVar's aggregate classification.

Dr. Peter K. Rogan Lab, Western University
No classification provided (evidence only). Condition: Nonpapillary renal cell carcinoma. Review status: no classification provided. Collection method: in vitro. Allele origin: not applicable. Functional consequence: retained intron. Not counted in ClinVar's aggregate classification.

Dr. Peter K. Rogan Lab, Western University
No classification provided (evidence only). Condition: Nonpapillary renal cell carcinoma. Review status: no classification provided. Collection method: in vitro. Allele origin: not applicable. Functional consequence: retained intron. Not counted in ClinVar's aggregate classification.

Dr. Peter K. Rogan Lab, Western University
No classification provided (evidence only). Condition: Familial pancreatic carcinoma. Review status: no classification provided. Collection method: in vitro. Allele origin: not applicable. Functional consequence: retained intron. Not counted in ClinVar's aggregate classification.

Dr. Peter K. Rogan Lab, Western University
No classification provided (evidence only). Condition: Familial pancreatic carcinoma. Review status: no classification provided. Collection method: in vitro. Allele origin: not applicable. Functional consequence: retained intron. Not counted in ClinVar's aggregate classification.